The following is an entry in ClinVar:

ClinVar aggregate classification (germline): Likely pathogenic (1 of 4 stars; one submission).

Conditions:
Dilated cardiomyopathy 1G (CMD1G). Identifiers: Orphanet 154, MedGen C1858763, MONDO:0011400, OMIM 604145.
Autosomal recessive limb-girdle muscular dystrophy type 2J (LGMDR10). Also called: Limb-girdle muscular dystrophy, type 2J; MUSCULAR DYSTROPHY, LIMB-GIRDLE, AUTOSOMAL RECESSIVE 10. Identifiers: Orphanet 140922, MedGen C1837342, MONDO:0012127, OMIM 608807.

Submission:

Labcorp Genetics (formerly Invitae), Labcorp
Classification: Likely pathogenic for Dilated cardiomyopathy 1G; Autosomal recessive limb-girdle muscular dystrophy type 2J. Last evaluated: 2025-06-15. Review status: criteria provided, single submitter. Criteria: Invitae Variant Classification Sherloc (09022015). Collection method: clinical testing. Allele origin: germline.
Comment: This sequence change creates a premature translational stop signal (p.Glu34160Lysfs*9) in the TTN gene. While this is not anticipated to result in nonsense mediated decay, it is expected to create a truncated TTN protein. This variant is not present in population databases (gnomAD no frequency). This variant has not been reported in the literature in individuals affected with TTN-related conditions. This variant is located in the M band of TTN (PMID: 25589632). Truncating variants in this region have been previously reported in individuals affected with autosomal dominant or autosomal recessive myopathy and muscular dystrophy (PMID: 18948003, 23975875, 24395473). Truncating variants in this region have also been identified in individuals affected with autosomal dominant dilated cardiomyopathy and/or cardio-related conditions (PMID: 27869827, 32964742, internal data). In summary, the currently available evidence indicates that the variant is pathogenic, but additional data are needed to prove that conclusively. Therefore, this variant has been classified as Likely Pathogenic.

Literature cited by the submitters: PubMed 25589632; PubMed 18948003; PubMed 23975875; PubMed 24395473; PubMed 27869827; PubMed 32964742.

NM_001267550.2(TTN):c.102478del (p.Glu34160fs)

Genes: TTN (titin; minus strand), TTN-AS1 (TTN antisense RNA 1; plus strand). Cytogenetic location: 2q31.2.
Variant type: Deletion.
Coding change: c.102478del on transcript NM_001267550.2 (MANE Select); coding-DNA position 102478, one base deleted (G; older notation c.102478delG).
Protein change: p.Glu34160fs; shifts the reading frame from glutamic acid 34160.
Molecular consequence: frameshift variant.
Genome position (GRCh38, 1-based): chr2:178,534,137, C deleted on the plus strand (G on the coding strand, the reverse complement: TTN is on the minus strand). VCF-style (leftmost placement, unchanged base first): chr2-178534136-TC-T. GRCh37 (hg19) VCF-style: chr2-179398863-TC-T.
Other names: c.97555del, p.Glu32519fs (NM_001256850.1); c.75283del, p.Glu25095fs (NM_003319.4); c.94774del, p.Glu31592fs (NM_133378.4); c.75658del, p.Glu25220fs (NM_133432.3); c.75859del, p.Glu25287fs (NM_133437.4); short protein forms E25220fs, E31592fs, E25095fs, E25287fs, E34160fs, E32519fs.
Identifiers: ClinVar variation 4784527 (VCV004784527.1).